The following is an entry in ClinVar:

NM_145868.2(ANXA11):c.610C>T (p.Arg204Ter)

Gene: ANXA11 (annexin A11; minus strand). Cytogenetic location: 10q22.3.
Variant type: single nucleotide variant.
Coding change: c.610C>T on transcript NM_145868.2 (MANE Select); coding-DNA position 610, C replaced by T.
Protein change: p.Arg204Ter; replaces arginine 204 with a stop codon.
Molecular consequence: nonsense.
Genome position (GRCh38, 1-based): chr10:80,167,265, G>A on the plus strand (C>T on the coding strand, the complement: ANXA11 is on the minus strand). VCF-style: chr10-80167265-G-A. GRCh37 (hg19) VCF-style: chr10-81927021-G-A.
Other names: c.610C>T, p.Arg204Ter (NM_145869.2, NM_001157.3, NM_001278407.2 and 1 more transcripts); c.511C>T, p.Arg171Ter (NM_001278409.2); short protein forms R171*, R204*.
Identifiers: ClinVar variation 2705563 (VCV002705563.3), dbSNP rs759659694, ClinGen allele CA5576230.

ClinVar aggregate classification (germline): Uncertain significance (1 of 4 stars; one submission).

Allele frequency attached by ClinVar (database versions not stated): gnomAD 0.00001; TOPMed 0.00001.
gnomAD v4.1: 53 of 1,614,030 alleles (0.0033%); highest among the groups gnomAD compares: Admixed American, 0.015%; no homozygotes.

Submission:

Labcorp Genetics (formerly Invitae), Labcorp
Classification: Uncertain significance. Last evaluated: 2025-08-04. Review status: criteria provided, single submitter. Criteria: Invitae Variant Classification Sherloc (09022015). Collection method: clinical testing. Allele origin: germline.
Comment: This sequence change creates a premature translational stop signal (p.Arg204*) in the ANXA11 gene. It is expected to result in an absent or disrupted protein product. However, the current clinical and genetic evidence is not sufficient to establish whether loss-of-function variants in ANXA11 cause disease. This variant is present in population databases (rs759659694, gnomAD 0.02%). This variant has not been reported in the literature in individuals affected with ANXA11-related conditions. ClinVar contains an entry for this variant (Variation ID: 2705563). In summary, the available evidence is currently insufficient to determine the role of this variant in disease. Therefore, it has been classified as a Variant of Uncertain Significance.